The following is an entry in ClinVar:

ClinVar aggregate classification (germline): Uncertain significance (1 of 4 stars; one submission).

Submission:

Ambry Genetics
Classification: Uncertain significance. Last evaluated: 2026-02-14. Review status: criteria provided, single submitter. Criteria: Ambry Variant Classification Scheme 2023. Collection method: clinical testing. Allele origin: germline.
Comment: The p.G134C variant (also known as c.400G>T), located in coding exon 1 of the TET2 gene, results from a G to T substitution at nucleotide position 400. The glycine at codon 134 is replaced by cysteine, an amino acid with highly dissimilar properties. This amino acid position is conserved. In addition, this alteration is predicted to be tolerated by in silico analysis. Based on the available evidence, the clinical significance of this variant remains unclear.

NM_001127208.3(TET2):c.400G>T (p.Gly134Cys)

Genes: TET2 (tet methylcytosine dioxygenase 2; plus strand), TET2-AS1 (TET2 antisense RNA 1; minus strand). Cytogenetic location: 4q24.
Variant type: single nucleotide variant.
Coding change: c.400G>T on transcript NM_001127208.3 (MANE Select); coding-DNA position 400, G replaced by T.
Protein change: p.Gly134Cys; replaces glycine 134 with cysteine.
Molecular consequence: missense variant.
Genome position (GRCh38, 1-based): chr4:105,234,342, G>T. VCF-style: chr4-105234342-G-T. GRCh37 (hg19) VCF-style: chr4-106155499-G-T.
Other names: c.400G>T, p.Gly134Cys (NM_017628.4); short protein forms G134C.
Identifiers: ClinVar variation 4825016 (VCV004825016.1).